The following is an entry in ClinVar:

NM_012144.4(DNAI1):c.156del (p.Asp53fs)

Gene: DNAI1 (dynein axonemal intermediate chain 1; plus strand). Cytogenetic location: 9p13.3.
Variant type: Deletion.
Coding change: c.156del on transcript NM_012144.4 (MANE Select); coding-DNA position 156, one base deleted (T; older notation c.156delT).
Protein change: p.Asp53fs; shifts the reading frame from aspartic acid 53.
Molecular consequence: frameshift variant.
Genome position (GRCh38, 1-based): chr9:34,485,216, T deleted. VCF-style (leftmost placement, unchanged base first): chr9-34485215-CT-C. GRCh37 (hg19) VCF-style: chr9-34485213-CT-C.
Other names: c.156del (NM_012144.3); c.156del, p.Asp53fs (NM_001281428.2); short protein forms D53fs.
Identifiers: ClinVar variation 411805 (VCV000411805.11), dbSNP rs1060503495, ClinGen allele CA16612615.

ClinVar aggregate classification (germline): Pathogenic. Review status: criteria provided, multiple submitters, no conflicts (2 of 4 stars). 2 submissions from 2 submitters: Pathogenic (2). Last evaluated 2024-05-08.

Conditions:
Primary ciliary dyskinesia. Also called: Ciliary dyskinesia. Identifiers: Orphanet 244, MedGen C0008780, MONDO:0016575, HP:0012265.
Kartagener syndrome (CILD1). Also called: POLYNESIAN BRONCHIECTASIS; Dextrocardia bronchiectasis and sinusitis; IMMOTILE CILIA SYNDROME; CILIARY DYSKINESIA, PRIMARY, 1; CILIARY DYSKINESIA, PRIMARY, 1, WITH OR WITHOUT SITUS INVERSUS; SIEWERT SYNDROME. Identifiers: Orphanet 244, MedGen C4551906, MONDO:0009484, OMIM 244400.

Allele frequency attached by ClinVar (database versions not stated): gnomAD exomes below 0.00001.

Submissions (2):

Myriad Genetics, Inc.
Classification: Pathogenic for Kartagener syndrome. Last evaluated: 2024-05-08. Review status: criteria provided, single submitter. Criteria: Myriad Autosomal Dominant, Autosomal Recessive and X-Linked Classification Criteria (2023). Collection method: clinical testing. Allele origin: unknown.
Comment: NM_012144.2(DNAI1):c.156delT(D53Tfs*5) is expected to be pathogenic in the context of primary ciliary dyskinesia, DNAI1-related. This variant is predicted to lead to an abnormal or absent protein product due to the creation of a premature termination codon in DNAI1, a gene where loss-of-function variants are known to be pathogenic. Please note: this variant was assessed in the context of healthy population screening.

Labcorp Genetics (formerly Invitae), Labcorp
Classification: Pathogenic for Primary ciliary dyskinesia. Last evaluated: 2022-02-25. Review status: criteria provided, single submitter. Criteria: Invitae Variant Classification Sherloc (09022015). Collection method: clinical testing. Allele origin: germline.
Comment: ClinVar contains an entry for this variant (Variation ID: 411805). For these reasons, this variant has been classified as Pathogenic. This variant has not been reported in the literature in individuals affected with DNAI1-related conditions. This variant is present in population databases (no rsID available, gnomAD 0.003%). This sequence change creates a premature translational stop signal (p.Asp53Thrfs*5) in the DNAI1 gene. It is expected to result in an absent or disrupted protein product. Loss-of-function variants in DNAI1 are known to be pathogenic (PMID: 16858015, 29363216).

Literature cited by the submitters: PubMed 16858015 (cited by Labcorp Genetics (formerly Invitae), Labcorp); PubMed 29363216 (cited by Labcorp Genetics (formerly Invitae), Labcorp).